The following is an entry in ClinVar:

NM_003560.4(PLA2G6):c.1609A>T (p.Met537Leu)

Gene: PLA2G6 (phospholipase A2 group VI; minus strand). Cytogenetic location: 22q13.1.
Variant type: single nucleotide variant.
Coding change: c.1609A>T on transcript NM_003560.4 (MANE Select); coding-DNA position 1609, A replaced by T.
Protein change: p.Met537Leu; replaces methionine 537 with leucine.
Molecular consequence: missense variant.
Genome position (GRCh38, 1-based): chr22:38,120,892, T>A on the plus strand (A>T on the coding strand, the complement: PLA2G6 is on the minus strand). VCF-style: chr22-38120892-T-A. GRCh37 (hg19) VCF-style: chr22-38516899-T-A.
Other names: c.1447A>T, p.Met483Leu (NM_001004426.3, NM_001199562.3, NM_001349865.2 and 1 more transcripts); c.1609A>T, p.Met537Leu (NM_001349864.2); c.1075A>T, p.Met359Leu (NM_001349867.2); c.931A>T, p.Met311Leu (NM_001349868.2); c.913A>T, p.Met305Leu (NM_001349869.2); short protein forms M359L, M483L, M537L, M305L, M311L.
Identifiers: ClinVar variation 1491550 (VCV001491550.6), dbSNP rs2145711594, ClinGen allele CA411527667.

ClinVar aggregate classification (germline): Uncertain significance (1 of 4 stars; one submission).

Conditions:
Infantile neuroaxonal dystrophy (NBIA2A). Also called: NEURODEGENERATION WITH BRAIN IRON ACCUMULATION 2A; SEITELBERGER DISEASE; Infantile neuroaxonal dystrophy 1. Identifiers: Orphanet 35069, MedGen C0270724, MONDO:0024457, OMIM 256600.

Submission:

Labcorp Genetics (formerly Invitae), Labcorp
Classification: Uncertain significance for Infantile neuroaxonal dystrophy. Last evaluated: 2023-07-07. Review status: criteria provided, single submitter. Criteria: Invitae Variant Classification Sherloc (09022015). Collection method: clinical testing. Allele origin: germline.
Comment: In summary, the available evidence is currently insufficient to determine the role of this variant in disease. Therefore, it has been classified as a Variant of Uncertain Significance. Advanced modeling of protein sequence and biophysical properties (such as structural, functional, and spatial information, amino acid conservation, physicochemical variation, residue mobility, and thermodynamic stability) performed at Invitae indicates that this missense variant is not expected to disrupt PLA2G6 protein function. ClinVar contains an entry for this variant (Variation ID: 1491550). This variant has not been reported in the literature in individuals affected with PLA2G6-related conditions. This variant is not present in population databases (gnomAD no frequency). This sequence change replaces methionine, which is neutral and non-polar, with leucine, which is neutral and non-polar, at codon 537 of the PLA2G6 protein (p.Met537Leu).